The following is an entry in ClinVar:

NM_015557.3(CHD5):c.5396C>G (p.Ala1799Gly)

Gene: CHD5 (chromodomain helicase DNA binding protein 5; minus strand). Cytogenetic location: 1p36.31.
Variant type: single nucleotide variant.
Coding change: c.5396C>G on transcript NM_015557.3 (MANE Select); coding-DNA position 5396, C replaced by G.
Protein change: p.Ala1799Gly; replaces alanine 1799 with glycine.
Molecular consequence: missense variant.
Genome position (GRCh38, 1-based): chr1:6,109,977, G>C on the plus strand (C>G on the coding strand, the complement: CHD5 is on the minus strand). VCF-style: chr1-6109977-G-C. GRCh37 (hg19) VCF-style: chr1-6170037-G-C.
Other names: short protein forms A1799G.
Identifiers: ClinVar variation 3600291 (VCV003600291.2).

ClinVar aggregate classification (germline): Uncertain significance (1 of 4 stars; one submission).

Conditions:
Parenti-mignot neurodevelopmental syndrome. Identifiers: MedGen C5676984, MONDO:0859249, OMIM 619873.

Submission:

Institute of Human Genetics, University of Goettingen
Classification: Uncertain significance for Parenti-mignot neurodevelopmental syndrome. Last evaluated: 2025-01-20. Review status: criteria provided, single submitter. Criteria: ACMG Guidelines, 2015. Collection method: clinical testing. Allele origin: paternal. Inheritance: Autosomal dominant inheritance. Observed: 1 heterozygote.
Comment: The variant c.5396C>G (p.(Ala1799Gly)) in exon 38 of the CHD5-gene is not found in the gnomAD database, it affects a highly conserved nucleotide, and a highly conserved amino acid and there is a small physicochemical difference between Ala and Gly. In-silico tool predicts a pathogenic outcome for this variant. ACMG criteria used for classification: PM2_SUP, PP2, PP3.